The following is an entry in ClinVar:

NM_003803.4(MYOM1):c.1487A>G (p.Tyr496Cys)

Gene: MYOM1 (myomesin 1; minus strand). Cytogenetic location: 18p11.31.
Variant type: single nucleotide variant.
Coding change: c.1487A>G on transcript NM_003803.4 (MANE Select); coding-DNA position 1487, A replaced by G.
Protein change: p.Tyr496Cys; replaces tyrosine 496 with cysteine.
Molecular consequence: missense variant.
Genome position (GRCh38, 1-based): chr18:3,164,292, T>C on the plus strand (A>G on the coding strand, the complement: MYOM1 is on the minus strand). VCF-style: chr18-3164292-T-C. GRCh37 (hg19) VCF-style: chr18-3164290-T-C.
Other names: c.1487A>G, p.Tyr496Cys (NM_019856.2); short protein forms Y496C.
Identifiers: ClinVar variation 2562740 (VCV002562740.2), dbSNP rs1278590083, ClinGen allele CA401714769.

ClinVar aggregate classification (germline): Uncertain significance (1 of 4 stars; one submission).

Allele frequency attached by ClinVar (database versions not stated): gnomAD exomes 0.00001; TOPMed 0.00007; gnomAD 0.00011.

Submission:

Ambry Genetics
Classification: Uncertain significance. Last evaluated: 2023-05-01. Review status: criteria provided, single submitter. Criteria: Ambry Variant Classification Scheme 2023. Collection method: clinical testing. Allele origin: germline.
Comment: The p.Y496C variant (also known as c.1487A>G), located in coding exon 9 of the MYOM1 gene, results from an A to G substitution at nucleotide position 1487. The tyrosine at codon 496 is replaced by cysteine, an amino acid with highly dissimilar properties. This amino acid position is conserved. In addition, this alteration is predicted to be deleterious by in silico analysis. Since supporting evidence is limited at this time, the clinical significance of this alteration remains unclear.